The following is an entry in ClinVar:

ClinVar aggregate classification (germline): Likely pathogenic (1 of 4 stars; one submission).

Submission:

Labcorp Genetics (formerly Invitae), Labcorp
Classification: Likely pathogenic. Last evaluated: 2022-02-09. Review status: criteria provided, single submitter. Criteria: Invitae Variant Classification Sherloc (09022015). Collection method: clinical testing. Allele origin: germline.
Comment: This variant has not been reported in the literature in individuals affected with MYO7A-related conditions. This sequence change affects an acceptor splice site in intron 45 of the MYO7A gene. It is expected to disrupt RNA splicing. Variants that disrupt the donor or acceptor splice site typically lead to a loss of protein function (PMID: 16199547), and loss-of-function variants in MYO7A are known to be pathogenic (PMID: 8900236, 25404053). This variant is not present in population databases (gnomAD no frequency). ClinVar contains an entry for this variant (Variation ID: 853020). Algorithms developed to predict the effect of sequence changes on RNA splicing suggest that this variant may disrupt the consensus splice site. In summary, the currently available evidence indicates that the variant is pathogenic, but additional data are needed to prove that conclusively. Therefore, this variant has been classified as Likely Pathogenic.

Literature cited by the submitters: PubMed 16199547; PubMed 8900236; PubMed 25404053.

NM_000260.4(MYO7A):c.6238-1G>A

Gene: MYO7A (myosin VIIA; plus strand). Cytogenetic location: 11q13.5.
Variant type: single nucleotide variant.
Coding change: c.6238-1G>A on transcript NM_000260.4 (MANE Select); the canonical splice acceptor site of the intron before coding-DNA position 6238, G replaced by A.
Molecular consequence: splice acceptor variant.
Genome position (GRCh38, 1-based): chr11:77,211,820, G>A. VCF-style: chr11-77211820-G-A. GRCh37 (hg19) VCF-style: chr11-76922865-G-A.
Other names: c.6091-1G>A (NM_001369365.1); c.6124-1G>A (NM_001127180.2).
Identifiers: ClinVar variation 853020 (VCV000853020.8), dbSNP rs1957902751, ClinGen allele CA381936427.